The following is an entry in ClinVar:

ClinVar aggregate classification (germline): Likely benign (0 of 4 stars; one submission).

Conditions:
NRP2-related disorder. Also called: NRP2-related condition.

gnomAD v4.1: 5 of 1,614,090 alleles (0.00031%); highest among the groups gnomAD compares: African/African-American, 0.0013%; no homozygotes.

Submission:

PreventionGenetics, part of Exact Sciences
Classification: Likely benign for NRP2-related condition. Last evaluated: 2023-12-15. Review status: no assertion criteria provided. Collection method: clinical testing. Allele origin: germline.
Comment: This variant is classified as likely benign based on ACMG/AMP sequence variant interpretation guidelines (Richards et al. 2015 PMID: 25741868, with internal and published modifications).

NM_003872.3(NRP2):c.1248A>G (p.Ser416=)

Gene: NRP2 (neuropilin 2; plus strand). Cytogenetic location: 2q33.3.
Variant type: single nucleotide variant.
Coding change: c.1248A>G on transcript NM_003872.3 (MANE Select); coding-DNA position 1248, A replaced by G.
Protein change: p.Ser416=; no amino-acid change (serine 416 retained).
Molecular consequence: synonymous variant.
Genome position (GRCh38, 1-based): chr2:205,740,620, A>G. VCF-style: chr2-205740620-A-G. GRCh37 (hg19) VCF-style: chr2-206605344-A-G.
Other names: c.1248A>G, p.Ser416= (NM_018534.4, NM_201264.2, NM_201266.2 and 2 more transcripts).
Identifiers: ClinVar variation 3356201 (VCV003356201.1).